The following is an entry in ClinVar:

ClinVar aggregate classification (germline): Uncertain significance (1 of 4 stars; one submission).

Conditions:
Inborn genetic diseases. Identifiers: MedGen C0950123, MeSH D030342.

Submission:

Ambry Genetics
Classification: Uncertain significance for Inborn genetic diseases. Last evaluated: 2024-12-13. Review status: criteria provided, single submitter. Criteria: Ambry Variant Classification Scheme 2023. Collection method: clinical testing. Allele origin: germline.
Comment: The p.A131S variant (also known as c.391G>T), located in coding exon 4 of the ELANE gene, results from a G to T substitution at nucleotide position 391. The alanine at codon 131 is replaced by serine, an amino acid with similar properties. This amino acid position is conserved. In addition, this alteration is predicted to be tolerated by in silico analysis. Based on the available evidence, the clinical significance of this variant remains unclear.

NM_001972.4(ELANE):c.391G>T (p.Ala131Ser)

Gene: ELANE (elastase, neutrophil expressed; plus strand). Cytogenetic location: 19p13.3.
Variant type: single nucleotide variant.
Coding change: c.391G>T on transcript NM_001972.4 (MANE Select); coding-DNA position 391, G replaced by T.
Protein change: p.Ala131Ser; replaces alanine 131 with serine.
Molecular consequence: missense variant.
Genome position (GRCh38, 1-based): chr19:855,588, G>T. VCF-style: chr19-855588-G-T. GRCh37 (hg19) VCF-style: chr19-855588-G-T.
Other names: short protein forms A131S.
Identifiers: ClinVar variation 3844269 (VCV003844269.1).